The following is an entry in ClinVar:

ClinVar aggregate classification (germline): Likely benign (0 of 4 stars; one submission).

Conditions:
XYLT2-related disorder. Also called: XYLT2-related condition.

Allele frequency attached by ClinVar (database versions not stated): TOPMed 0.00002; gnomAD exomes 0.00001; gnomAD 0.00001.
gnomAD v4.1: 6 of 1,613,284 alleles (0.00037%); highest among the groups gnomAD compares: Admixed American, 0.005%; no homozygotes.

Submission:

PreventionGenetics, part of Exact Sciences
Classification: Likely benign for XYLT2-related condition. Last evaluated: 2022-07-07. Review status: no assertion criteria provided. Collection method: clinical testing. Allele origin: germline.
Comment: This variant is classified as likely benign based on ACMG/AMP sequence variant interpretation guidelines (Richards et al. 2015 PMID: 25741868, with internal and published modifications).

NM_022167.4(XYLT2):c.729C>T (p.Arg243=)

Gene: XYLT2 (xylosyltransferase 2; plus strand). Cytogenetic location: 17q21.33.
Variant type: single nucleotide variant.
Coding change: c.729C>T on transcript NM_022167.4 (MANE Select); coding-DNA position 729, C replaced by T.
Protein change: p.Arg243=; no amino-acid change (arginine 243 retained).
Molecular consequence: synonymous variant.
Genome position (GRCh38, 1-based): chr17:50,354,508, C>T. VCF-style: chr17-50354508-C-T. GRCh37 (hg19) VCF-style: chr17-48431869-C-T.
Identifiers: ClinVar variation 3055396 (VCV003055396.2), dbSNP rs1226618202, ClinGen allele CA500993123.